The following is an entry in ClinVar:

ClinVar aggregate classification (germline): Uncertain significance (1 of 4 stars; one submission).

Conditions:
Charcot-Marie-Tooth disease type 4. Also called: Charcot-Marie-Tooth disease, type IV; Charcot-Marie-Tooth, Type 4. Identifiers: Orphanet 64749, MedGen C4082197, MONDO:0018995.

Allele frequency attached by ClinVar (database versions not stated): gnomAD exomes below 0.00001.
gnomAD v4.1: 2 of 1,613,892 alleles (0.00012%); no homozygotes.

Submission:

Labcorp Genetics (formerly Invitae), Labcorp
Classification: Uncertain significance for Charcot-Marie-Tooth disease type 4. Last evaluated: 2025-08-29. Review status: criteria provided, single submitter. Criteria: Invitae Variant Classification Sherloc (09022015). Collection method: clinical testing. Allele origin: germline.
Comment: This sequence change replaces methionine, which is neutral and non-polar, with valine, which is neutral and non-polar, at codon 472 of the SBF2 protein (p.Met472Val). This variant is not present in population databases (gnomAD no frequency). This variant has not been reported in the literature in individuals affected with SBF2-related conditions. ClinVar contains an entry for this variant (Variation ID: 650893). Invitae Evidence Modeling of protein sequence and biophysical properties (such as structural, functional, and spatial information, amino acid conservation, physicochemical variation, residue mobility, and thermodynamic stability) indicates that this missense variant is not expected to disrupt SBF2 protein function with a negative predictive value of 80%. In summary, the available evidence is currently insufficient to determine the role of this variant in disease. Therefore, it has been classified as a Variant of Uncertain Significance.

NM_030962.4(SBF2):c.1414A>G (p.Met472Val)

Gene: SBF2 (SET binding factor 2; minus strand). Cytogenetic location: 11p15.4.
Variant type: single nucleotide variant.
Coding change: c.1414A>G on transcript NM_030962.4 (MANE Select); coding-DNA position 1414, A replaced by G.
Protein change: p.Met472Val; replaces methionine 472 with valine.
Molecular consequence: missense variant.
Genome position (GRCh38, 1-based): chr11:9,968,527, T>C on the plus strand (A>G on the coding strand, the complement: SBF2 is on the minus strand). VCF-style: chr11-9968527-T-C. GRCh37 (hg19) VCF-style: chr11-9990074-T-C.
Other names: c.1414A>G, p.Met472Val (NM_001386339.1); c.1285A>G, p.Met429Val (NM_001386342.1); short protein forms M472V, M429V.
Identifiers: ClinVar variation 650893 (VCV000650893.8), dbSNP rs1590636623, ClinGen allele CA379630659.